The following is an entry in ClinVar:

ClinVar aggregate classification (germline): Benign/Likely benign. Review status: criteria provided, multiple submitters, no conflicts (2 of 4 stars). 7 submissions from 7 submitters: Benign (3); Likely benign (2). 2 of the submissions do not count toward it. Last evaluated 2026-02-02.

Conditions:
Lipase deficiency, combined. Also called: LIPOPROTEIN LIPASE DEFICIENCY WITH HEPATIC TRIGLYCERIDE LIPASE DEFICIENCY; LPL AND HL DEFICIENCY; LPL AND HTGL DEFICIENCY. Identifiers: Orphanet 535453, MedGen C1855498, MONDO:0009527, OMIM 246650.
LMF1-related disorder. Also called: LMF1-related condition.
Cardiovascular phenotype. Identifiers: MedGen CN230736.

Allele frequency attached by ClinVar (database versions not stated): ExAC 0.00227; 1000 Genomes Project 0.00639; 1000 Genomes Project 30x 0.00703; gnomAD 0.00741 and 0.00797; TOPMed 0.00782; ESP Exome Variant Server 0.00787.
gnomAD v4.1: 2,190 of 1,613,046 alleles (0.14%); highest among the groups gnomAD compares: African/African-American, 2.6%; 22 homozygotes.

Submissions (7):

Labcorp Genetics (formerly Invitae), Labcorp
Classification: Benign. Last evaluated: 2026-02-02. Review status: criteria provided, single submitter. Criteria: Invitae Variant Classification Sherloc (09022015). Collection method: clinical testing. Allele origin: germline.

GeneDx
Classification: Likely benign. Last evaluated: 2020-08-03. Review status: criteria provided, single submitter. Criteria: GeneDx Variant Classification Process June 2021. Collection method: clinical testing. Allele origin: germline. Affected: yes.

Ambry Genetics
Classification: Benign for Cardiovascular phenotype. Last evaluated: 2019-08-13. Review status: criteria provided, single submitter. Criteria: Ambry Variant Classification Scheme 2023. Collection method: clinical testing. Allele origin: germline.

Clinical Genetics DNA and cytogenetics Diagnostics Lab, Erasmus MC, Erasmus Medical Center
Classification: Benign for Lipase deficiency, combined. Last evaluated: 2017-11-17. Review status: criteria provided, single submitter. Criteria: ACGS Guidelines, 2013. Collection method: clinical testing. Allele origin: germline. Affected: yes. Study: VKGL Data-share Consensus.

Breakthrough Genomics
Classification: Likely benign. Review status: criteria provided, single submitter. Criteria: ACMG Guidelines, 2015. Collection method: not provided. Allele origin: germline. Inheritance: Autosomal recessive inheritance. Affected: yes.

PreventionGenetics, part of Exact Sciences
Classification: Benign for LMF1-related condition. Last evaluated: 2019-03-29. Review status: no assertion criteria provided. Collection method: clinical testing. Allele origin: germline. Not counted in ClinVar's aggregate classification.
Comment: This variant is classified as benign based on ACMG/AMP sequence variant interpretation guidelines (Richards et al. 2015 PMID: 25741868, with internal and published modifications).

Clinical Genetics, Academic Medical Center
Classification: Benign. Review status: no assertion criteria provided. Collection method: clinical testing. Allele origin: germline. Affected: yes. Study: VKGL Data-share Consensus. Not counted in ClinVar's aggregate classification.

Literature cited by the submitters: PubMed 30037590 (cited by Ambry Genetics).

NM_022773.4(LMF1):c.1292C>A (p.Ala431Asp)

Gene: LMF1 (lipase maturation factor 1; minus strand). Cytogenetic location: 16p13.3.
Variant type: single nucleotide variant.
Coding change: c.1292C>A on transcript NM_022773.4 (MANE Select); coding-DNA position 1292, C replaced by A.
Protein change: p.Ala431Asp; replaces alanine 431 with aspartic acid.
Molecular consequence: missense variant. On other transcripts: non-coding transcript variant (1).
Genome position (GRCh38, 1-based): chr16:870,007, G>T on the plus strand (C>A on the coding strand, the complement: LMF1 is on the minus strand). VCF-style: chr16-870007-G-T. GRCh37 (hg19) VCF-style: chr16-920007-G-T.
Other names: c.641C>A, p.Ala214Asp (NM_001352017.2, NM_001352021.2); c.893C>A, p.Ala298Asp (NM_001352018.2); c.965C>A, p.Ala322Asp (NM_001352019.2); c.1292C>A, p.Ala431Asp (NM_001352020.1); short protein forms A431D, A214D, A298D, A322D.
Identifiers: ClinVar variation 522335 (VCV000522335.19), dbSNP rs115416993, ClinGen allele CA7797075.